The following is an entry in ClinVar:

NM_012338.4(TSPAN12):c.13G>A (p.Asp5Asn)

Gene: TSPAN12 (tetraspanin 12; minus strand). Cytogenetic location: 7q31.31.
Variant type: single nucleotide variant.
Coding change: c.13G>A on transcript NM_012338.4 (MANE Select); coding-DNA position 13, G replaced by A.
Protein change: p.Asp5Asn; replaces aspartic acid 5 with asparagine.
Molecular consequence: missense variant.
Genome position (GRCh38, 1-based): chr7:120,856,751, C>T on the plus strand (G>A on the coding strand, the complement: TSPAN12 is on the minus strand). VCF-style: chr7-120856751-C-T. GRCh37 (hg19) VCF-style: chr7-120496805-C-T.
Other names: short protein forms D5N.
Identifiers: ClinVar variation 3684686 (VCV003684686.2).

ClinVar aggregate classification (germline): Uncertain significance (1 of 4 stars; one submission).

Submission:

Labcorp Genetics (formerly Invitae), Labcorp
Classification: Uncertain significance. Last evaluated: 2024-11-05. Review status: criteria provided, single submitter. Criteria: Invitae Variant Classification Sherloc (09022015). Collection method: clinical testing. Allele origin: germline.
Comment: This sequence change replaces aspartic acid, which is acidic and polar, with asparagine, which is neutral and polar, at codon 5 of the TSPAN12 protein (p.Asp5Asn). This variant is not present in population databases (gnomAD no frequency). This variant has not been reported in the literature in individuals affected with TSPAN12-related conditions. An algorithm developed to predict the effect of missense changes on protein structure and function (PolyPhen-2) suggests that this variant is likely to be tolerated. In summary, the available evidence is currently insufficient to determine the role of this variant in disease. Therefore, it has been classified as a Variant of Uncertain Significance.